The following is an entry in ClinVar:

ClinVar aggregate classification (germline): Uncertain significance. Review status: criteria provided, multiple submitters, no conflicts (2 of 4 stars). 2 submissions from 2 submitters: Uncertain significance (2). Last evaluated 2025-10-22.

Conditions:
Inborn genetic diseases. Identifiers: MedGen C0950123, MeSH D030342.
Baller-Gerold syndrome (BGS). Also called: CRANIOSYNOSTOSIS WITH RADIAL DEFECTS. Identifiers: Orphanet 1225, MedGen C0265308, MONDO:0009039, OMIM 218600.

Allele frequency attached by ClinVar (database versions not stated): gnomAD 0.00001.
gnomAD v4.1: 1 of 1,611,606 alleles (0.000062%); highest among the groups gnomAD compares: Non-Finnish European, 0.000085%; no homozygotes.

Submissions (2):

Ambry Genetics
Classification: Uncertain significance for Inborn genetic diseases. Last evaluated: 2025-10-22. Review status: criteria provided, single submitter. Criteria: Ambry Variant Classification Scheme 2023. Collection method: clinical testing. Allele origin: germline.
Comment: The p.L533Q variant (also known as c.1598T>A), located in coding exon 9 of the RECQL4 gene, results from a T to A substitution at nucleotide position 1598. The leucine at codon 533 is replaced by glutamine, an amino acid with dissimilar properties. This amino acid position is conserved. In addition, this alteration is predicted to be deleterious by in silico analysis. Based on the available evidence, the clinical significance of this variant remains unclear.

Labcorp Genetics (formerly Invitae), Labcorp
Classification: Uncertain significance for Baller-Gerold syndrome. Last evaluated: 2021-12-14. Review status: criteria provided, single submitter. Criteria: Invitae Variant Classification Sherloc (09022015). Collection method: clinical testing. Allele origin: germline.
Comment: In summary, the available evidence is currently insufficient to determine the role of this variant in disease. Therefore, it has been classified as a Variant of Uncertain Significance. Experimental studies and prediction algorithms are not available or were not evaluated, and the functional significance of this variant is currently unknown. This variant has not been reported in the literature in individuals affected with RECQL4-related conditions. This variant is not present in population databases (gnomAD no frequency). This sequence change replaces leucine, which is neutral and non-polar, with glutamine, which is neutral and polar, at codon 533 of the RECQL4 protein (p.Leu533Gln).

NM_004260.4(RECQL4):c.1598T>A (p.Leu533Gln)

Gene: RECQL4 (RecQ like helicase 4; minus strand). Cytogenetic location: 8q24.3.
Variant type: single nucleotide variant.
Coding change: c.1598T>A on transcript NM_004260.4 (MANE Select); coding-DNA position 1598, T replaced by A.
Protein change: p.Leu533Gln; replaces leucine 533 with glutamine.
Molecular consequence: missense variant.
Genome position (GRCh38, 1-based): chr8:144,514,958, A>T on the plus strand (T>A on the coding strand, the complement: RECQL4 is on the minus strand). VCF-style: chr8-144514958-A-T. GRCh37 (hg19) VCF-style: chr8-145740342-A-T.
Other names: c.1598T>A (NM_004260.3); short protein forms L533Q.
Identifiers: ClinVar variation 1442419 (VCV001442419.7), dbSNP rs986491410, ClinGen allele CA372683518.